The following is an entry in ClinVar:

ClinVar aggregate classification (germline): Likely benign (1 of 4 stars; one submission).

Allele frequency attached by ClinVar (database versions not stated): TOPMed below 0.00001; gnomAD 0.00001; gnomAD exomes 0.00001.
gnomAD v4.1: 12 of 1,536,404 alleles (0.00078%); highest among the groups gnomAD compares: Middle Eastern, 0.033%; 1 homozygote.

Submission:

CeGaT Center for Human Genetics Tuebingen
Classification: Likely benign. Last evaluated: 2022-09-01. Review status: criteria provided, single submitter. Criteria: CeGaT Center For Human Genetics Tuebingen Variant Classification Criteria Version 2. Collection method: clinical testing. Allele origin: germline. Affected: yes. Observed: 1 variant allele.
Comment: STARD9: BP4, BP7

NM_020759.3(STARD9):c.12174T>C (p.Asn4058=)

Gene: STARD9 (StAR related lipid transfer domain containing 9; plus strand). Cytogenetic location: 15q15.2.
Variant type: single nucleotide variant.
Coding change: c.12174T>C on transcript NM_020759.3 (MANE Select); coding-DNA position 12174, T replaced by C.
Protein change: p.Asn4058=; no amino-acid change (asparagine 4058 retained).
Molecular consequence: synonymous variant.
Genome position (GRCh38, 1-based): chr15:42,693,752, T>C. VCF-style: chr15-42693752-T-C. GRCh37 (hg19) VCF-style: chr15-42985950-T-C.
Identifiers: ClinVar variation 2645248 (VCV002645248.24), dbSNP rs1256357146, ClinGen allele CA490010147.